The following is an entry in ClinVar:

NM_032043.3(BRIP1):c.1884T>C (p.Gly628=)

Gene: BRIP1 (BRCA1 interacting DNA helicase 1; minus strand). Cytogenetic location: 17q23.2.
Variant type: single nucleotide variant.
Coding change: c.1884T>C on transcript NM_032043.3 (MANE Select); coding-DNA position 1884, T replaced by C.
Protein change: p.Gly628=; no amino-acid change (glycine 628 retained).
Molecular consequence: synonymous variant.
Genome position (GRCh38, 1-based): chr17:61,780,312, A>G on the plus strand (T>C on the coding strand, the complement: BRIP1 is on the minus strand). VCF-style: chr17-61780312-A-G. GRCh37 (hg19) VCF-style: chr17-59857673-A-G.
Identifiers: ClinVar variation 1781958 (VCV001781958.5), dbSNP rs2545018736, ClinGen allele CA501150332.

ClinVar aggregate classification (germline): Benign/Likely benign. Review status: criteria provided, multiple submitters, no conflicts (2 of 4 stars). 3 submissions from 3 submitters: Benign (1); Likely benign (2). Last evaluated 2024-08-30.

Conditions:
Fanconi anemia complementation group J. Also called: BRIP1-Related Fanconi Anemia. Identifiers: Orphanet 84, MedGen C1836860, MONDO:0012187, OMIM 609054.
Familial cancer of breast. Also called: BREAST CANCER, FAMILIAL; Hereditary breast cancer; hereditary breast carcinoma. Identifiers: Orphanet 227535, MedGen C0346153, MONDO:0016419, OMIM 114480. Disease mechanism: loss of function.
Hereditary cancer-predisposing syndrome. Also called: Tumor predisposition; Neoplastic Syndromes, Hereditary; Hereditary Cancer Syndrome; Hereditary neoplastic syndrome. Identifiers: Orphanet 140162, MedGen C0027672, MeSH D009386, MONDO:0015356.

Submissions (3):

Myriad Genetics, Inc.
Classification: Benign for Familial cancer of breast. Last evaluated: 2024-08-30. Review status: criteria provided, single submitter. Criteria: Myriad Autosomal Dominant, Autosomal Recessive and X-Linked Classification Criteria (2023). Collection method: clinical testing. Allele origin: unknown.
Comment: This variant is considered benign. This variant is a silent/synonymous amino acid change and it is not expected to impact splicing.

Labcorp Genetics (formerly Invitae), Labcorp
Classification: Likely benign for Familial cancer of breast; Fanconi anemia complementation group J. Last evaluated: 2024-04-26. Review status: criteria provided, single submitter. Criteria: Invitae Variant Classification Sherloc (09022015). Collection method: clinical testing. Allele origin: germline.

Ambry Genetics
Classification: Likely benign for Hereditary cancer-predisposing syndrome. Last evaluated: 2021-04-28. Review status: criteria provided, single submitter. Criteria: Ambry Variant Classification Scheme 2023. Collection method: clinical testing. Allele origin: germline.